The following is an entry in ClinVar:

NM_000535.7(PMS2):c.452_457delinsCCCCG (p.Arg151fs)

Gene: PMS2 (PMS1 homolog 2, mismatch repair system component; minus strand). Cytogenetic location: 7p22.1.
Variant type: Indel.
Coding change: c.452_457delinsCCCCG on transcript NM_000535.7 (MANE Select); coding-DNA positions 452 to 457, GCCCCA replaced by CCCCG.
Protein change: p.Arg151fs; shifts the reading frame from arginine 151.
Molecular consequence: frameshift variant. On other transcripts: 5 prime UTR variant (2), non-coding transcript variant (1).
Genome position (GRCh38, 1-based): chr7:6,002,533-6,002,538, TGGGGC replaced by CGGGG on the plus strand (GCCCCA replaced by CCCCG on the coding strand, the reverse complement: PMS2 is on the minus strand). VCF-style: chr7-6002533-TGGGGC-CGGGG. GRCh37 (hg19) VCF-style: chr7-6042164-TGGGGC-CGGGG.
Other names: c.47_52delinsCCCCG, p.Arg16fs (NM_001322003.2, NM_001322004.2, NM_001322005.2 and 3 more transcripts); c.452_457delinsCCCCG, p.Arg151fs (NM_001322006.2, NM_001322014.2); c.134_139delinsCCCCG, p.Arg45fs (NM_001322007.2, NM_001322008.2); c.-433_-428delinsCCCCG (NM_001322011.2, NM_001322012.2); c.143_148delinsCCCCG, p.Arg48fs (NM_001322015.2); short protein forms R48fs, R151fs, R16fs, R45fs.
Identifiers: ClinVar variation 824968 (VCV000824968.4), dbSNP rs1583403114, ClinGen allele CA915944834.

ClinVar aggregate classification (germline): Pathogenic (1 of 4 stars; one submission).

Conditions:
Hereditary cancer-predisposing syndrome. Also called: Neoplastic Syndromes, Hereditary; Tumor predisposition; Hereditary neoplastic syndrome; Hereditary Cancer Syndrome. Identifiers: Orphanet 140162, MedGen C0027672, MeSH D009386, MONDO:0015356.

Submission:

Ambry Genetics
Classification: Pathogenic for Hereditary cancer-predisposing syndrome. Last evaluated: 2019-11-07. Review status: criteria provided, single submitter. Criteria: Ambry Variant Classification Scheme 2023. Collection method: clinical testing. Allele origin: germline.
Comment: The c.452_457delGCCCCAinsCCCCG pathogenic mutation, located in coding exon 5 of the PMS2 gene, results from the deletion of 6 nucleotides and insertion of 5 nucleotides causing a translational frameshift with a predicted alternate stop codon (p.R151Pfs*50). This alteration is expected to result in loss of function by premature protein truncation or nonsense-mediated mRNA decay. As such, this alteration is interpreted as a disease-causing mutation.